The following is an entry in ClinVar:

NM_182914.3(SYNE2):c.4381C>A (p.Pro1461Thr)

Gene: SYNE2 (spectrin repeat containing nuclear envelope protein 2; plus strand). Cytogenetic location: 14q23.2.
Variant type: single nucleotide variant.
Coding change: c.4381C>A on transcript NM_182914.3 (MANE Select); coding-DNA position 4381, C replaced by A.
Protein change: p.Pro1461Thr; replaces proline 1461 with threonine.
Molecular consequence: missense variant.
Genome position (GRCh38, 1-based): chr14:64,003,314, C>A. VCF-style: chr14-64003314-C-A. GRCh37 (hg19) VCF-style: chr14-64470032-C-A.
Other names: c.4381C>A, p.Pro1461Thr (NM_015180.6); short protein forms P1461T.
Identifiers: ClinVar variation 4737698 (VCV004737698.1).
Genomic context (GRCh38, chr14:64,003,314, plus strand): 5'-AAAAATATTCAAGATGTGCAGAGTCAAATCAGTAAAATTGGTCTTAAGGATCCTACTGTT[C>A]CAGCTGTGAAACATCGGTAAGTATTGTCCATCCATTTCCATCCAAGGTGACTGACATCTT-3'
Protein context (NP_878918.2, residues 1451-1471): SKIGLKDPTV[Pro1461Thr]AVKHRKKSLI

ClinVar aggregate classification (germline): Uncertain significance (1 of 4 stars; one submission).

Conditions:
Emery-Dreifuss muscular dystrophy 5, autosomal dominant (EDMD5). Also called: EMERY-DREIFUSS MUSCULAR DYSTROPHY 5. Identifiers: Orphanet 261, MedGen C2751805, MONDO:0013072, OMIM 612999.

gnomAD v4.1: 7 of 1,613,934 alleles (0.00043%); highest among the groups gnomAD compares: Middle Eastern, 0.016%; no homozygotes.

Submission:

Labcorp Genetics (formerly Invitae), Labcorp
Classification: Uncertain significance for Emery-Dreifuss muscular dystrophy 5, autosomal dominant. Last evaluated: 2025-04-15. Review status: criteria provided, single submitter. Criteria: Invitae Variant Classification Sherloc (09022015). Collection method: clinical testing. Allele origin: germline.
Comment: This sequence change replaces proline, which is neutral and non-polar, with threonine, which is neutral and polar, at codon 1461 of the SYNE2 protein (p.Pro1461Thr). This variant is present in population databases (rs768280052, gnomAD 0.007%). This variant has not been reported in the literature in individuals affected with SYNE2-related conditions. An algorithm developed to predict the effect of missense changes on protein structure and function (PolyPhen-2) suggests that this variant is likely to be disruptive. In summary, the available evidence is currently insufficient to determine the role of this variant in disease. Therefore, it has been classified as a Variant of Uncertain Significance.